The following is an entry in ClinVar:

NM_001134831.2(AHI1):c.1891C>T (p.Arg631Trp)

Gene: AHI1 (Abelson helper integration site 1; minus strand). Cytogenetic location: 6q23.3.
Variant type: single nucleotide variant.
Coding change: c.1891C>T on transcript NM_001134831.2 (MANE Select); coding-DNA position 1891, C replaced by T.
Protein change: p.Arg631Trp; replaces arginine 631 with tryptophan.
Molecular consequence: missense variant.
Genome position (GRCh38, 1-based): chr6:135,442,603, G>A on the plus strand (C>T on the coding strand, the complement: AHI1 is on the minus strand). VCF-style: chr6-135442603-G-A. GRCh37 (hg19) VCF-style: chr6-135763741-G-A.
Other names: c.1891C>T, p.Arg631Trp (NM_001134830.2, NM_001134832.2, NM_001350503.2 and 2 more transcripts); short protein forms R631W.
Identifiers: ClinVar variation 1008740 (VCV001008740.12), dbSNP rs748010693, ClinGen allele CA4012487.
Genomic context (GRCh38, chr6:135,442,603, plus strand): 5'-GGACTACAATCAGATTAAACAGGTAGGATTATTACTCACAAATAATTGGATATCCATCCC[G>A]GCTGGCACAAGCTGCTGCTAATATTCTTCCATTGTGGGAGAAATCAAGACAAAAACATCC-3'
Protein context (NP_001128303.1, residues 621-641): GRILAAACAS[Arg631Trp]DGYPIILYEI

ClinVar aggregate classification (germline): Uncertain significance. Review status: criteria provided, multiple submitters, no conflicts (2 of 4 stars). 5 submissions from 5 submitters: Uncertain significance (5). Last evaluated 2024-06-07.

Conditions:
Inborn genetic diseases. Identifiers: MedGen C0950123, MeSH D030342.
Joubert syndrome. Also called: JOUBERT-BOLTSHAUSER SYNDROME; Familial aplasia of the vermis. Identifiers: Orphanet 475, MedGen C5979921, MONDO:0018772.
Joubert syndrome 3 (JBTS3). Also called: AHI1-related Ciliopathy. Identifiers: Orphanet 220493, MedGen C1837713, MONDO:0012078, OMIM 608629.

Allele frequency attached by ClinVar (database versions not stated): gnomAD 0.00002; gnomAD exomes 0.00004 and 0.00005; TOPMed 0.00004; ExAC 0.00014.
gnomAD v4.1: 57 of 1,609,222 alleles (0.0035%); highest among the groups gnomAD compares: African/African-American, 0.0053%; no homozygotes.

Submissions (5):

Blueprint Genetics
Classification: Uncertain significance. Last evaluated: 2024-06-07. Review status: criteria provided, single submitter. Criteria: ACMG Guidelines, 2015. Collection method: clinical testing. Allele origin: germline.

Fulgent Genetics
Classification: Uncertain significance for Joubert syndrome 3. Last evaluated: 2024-03-06. Review status: criteria provided, single submitter. Criteria: ACMG Guidelines, 2015. Collection method: clinical testing. Allele origin: germline.

Ambry Genetics
Classification: Uncertain significance for Inborn genetic diseases. Last evaluated: 2023-04-20. Review status: criteria provided, single submitter. Criteria: Ambry Variant Classification Scheme 2023. Collection method: clinical testing. Allele origin: germline.

GeneDx
Classification: Uncertain significance. Last evaluated: 2023-02-16. Review status: criteria provided, single submitter. Criteria: GeneDx Variant Classification Process June 2021. Collection method: clinical testing. Allele origin: germline. Affected: yes.
Comment: Not observed at significant frequency in large population cohorts (gnomAD); In silico analysis supports that this missense variant has a deleterious effect on protein structure/function; Has not been previously published as pathogenic or benign to our knowledge; This variant is associated with the following publications: (PMID: 15467982)

Labcorp Genetics (formerly Invitae), Labcorp
Classification: Uncertain significance for Joubert syndrome. Last evaluated: 2022-02-24. Review status: criteria provided, single submitter. Criteria: Invitae Variant Classification Sherloc (09022015). Collection method: clinical testing. Allele origin: germline.
Comment: This sequence change replaces arginine, which is basic and polar, with tryptophan, which is neutral and slightly polar, at codon 631 of the AHI1 protein (p.Arg631Trp). This variant is present in population databases (rs748010693, gnomAD 0.009%). This variant has not been reported in the literature in individuals affected with AHI1-related conditions. ClinVar contains an entry for this variant (Variation ID: 1008740). Advanced modeling of protein sequence and biophysical properties (such as structural, functional, and spatial information, amino acid conservation, physicochemical variation, residue mobility, and thermodynamic stability) performed at Invitae indicates that this missense variant is not expected to disrupt AHI1 protein function. In summary, the available evidence is currently insufficient to determine the role of this variant in disease. Therefore, it has been classified as a Variant of Uncertain Significance.